The following is an entry in ClinVar:

NM_001029883.3(PCARE):c.2112T>C (p.Asn704=)

Gene: PCARE (photoreceptor cilium actin regulator; minus strand). Cytogenetic location: 2p23.2.
Variant type: single nucleotide variant.
Coding change: c.2112T>C on transcript NM_001029883.3 (MANE Select); coding-DNA position 2112, T replaced by C.
Protein change: p.Asn704=; no amino-acid change (asparagine 704 retained).
Molecular consequence: synonymous variant.
Genome position (GRCh38, 1-based): chr2:29,072,150, A>G on the plus strand (T>C on the coding strand, the complement: PCARE is on the minus strand). VCF-style: chr2-29072150-A-G. GRCh37 (hg19) VCF-style: chr2-29295016-A-G.
Identifiers: ClinVar variation 193145 (VCV000193145.24), dbSNP rs10200693, ClinGen allele CA200357.
Genomic context (GRCh38, chr2:29,072,150, plus strand): 5'-GCCTCTGACATTCCAGTCTGTGGCCTTGGCAGCCTCACTGACCTCTCCTGATGGGATGGC[A>G]TTTGGAAGCTTCCCAGCTTTGCCTTGTTCGTCCTCAGGATGGGGATTGCATTTCTGCAAG-3'
Protein context (NP_001025054.1, residues 694-714): DEQGKAGKLP[Asn704=]AIPSGEVSEA

ClinVar aggregate classification (germline): Benign. Review status: criteria provided, multiple submitters, no conflicts (2 of 4 stars). 8 submissions from 8 submitters: Benign (6). 2 of the submissions do not count toward it. Last evaluated 2026-02-03.

Conditions:
Retinal dystrophy. Also called: Inherited retinal dystrophy. Identifiers: Orphanet 71862, MedGen C0854723, MeSH D058499, MONDO:0019118, HP:0000556.
Retinitis pigmentosa (RP). Identifiers: Orphanet 791, MedGen C0035334, MeSH D012174, MONDO:0019200, OMIM 268000. Inheritance: Autosomal dominant, autosomal recessive and X linked inheritance.
Retinitis pigmentosa 54 (RP54). Identifiers: Orphanet 791, MedGen C3150691, MONDO:0013263, OMIM 613428.

Allele frequency attached by ClinVar (database versions not stated): gnomAD exomes 0.26631 and 0.27295; ExAC 0.26936; gnomAD 0.30136 and 0.30236; ESP Exome Variant Server 0.30468; TOPMed 0.32249; 1000 Genomes Project 30x 0.33260; 1000 Genomes Project 0.33387.
gnomAD v4.1: 446,414 of 1,614,008 alleles (28%); highest among the groups gnomAD compares: East Asian, 44%; 64,344 homozygotes.

Submissions (8):

Labcorp Genetics (formerly Invitae), Labcorp
Classification: Benign. Last evaluated: 2026-02-03. Review status: criteria provided, single submitter. Criteria: Invitae Variant Classification Sherloc (09022015). Collection method: clinical testing. Allele origin: germline.

Dept Of Ophthalmology, Nagoya University
Classification: Benign for Retinal dystrophy. Last evaluated: 2023-10-01. Review status: criteria provided, single submitter. Criteria: Submitter's publication. Collection method: research. Allele origin: germline. Affected: yes.

Genome-Nilou Lab
Classification: Benign for Retinitis pigmentosa 54. Last evaluated: 2021-07-14. Review status: criteria provided, single submitter. Criteria: ACMG Guidelines, 2015. Collection method: clinical testing. Allele origin: germline. Affected: no.

Illumina Laboratory Services, Illumina
Classification: Benign for Retinitis pigmentosa. Last evaluated: 2018-01-13. Review status: criteria provided, single submitter. Criteria: ICSL Variant Classification Criteria 13 December 2019. Collection method: clinical testing. Allele origin: germline.
Comment: This variant was observed in the ICSL laboratory as part of a predisposition screen in an ostensibly healthy population. It had not been previously curated by ICSL or reported in the Human Gene Mutation Database (HGMD: prior to June 1st, 2018), and was therefore a candidate for classification through an automated scoring system. Utilizing variant allele frequency, disease prevalence and penetrance estimates, and inheritance mode, an automated score was calculated to assess if this variant is too frequent to cause the disease. Based on the score and internal cut-off values, a variant classified as benign is not then subjected to further curation. The score for this variant resulted in a classification of benign for this disease.

Eurofins Ntd Llc (ga)
Classification: Benign. Last evaluated: 2014-07-29. Review status: criteria provided, single submitter. Criteria: EGL Classification Definitions 2015. Collection method: clinical testing. Allele origin: germline. Observed: 5 variant alleles, 4 heterozygotes, 1 homozygote.

Breakthrough Genomics
Classification: Benign. Review status: criteria provided, single submitter. Criteria: ACMG Guidelines, 2015. Collection method: not provided. Allele origin: germline. Inheritance: Unknown mechanism. Affected: yes.

Clinical Genetics DNA and cytogenetics Diagnostics Lab, Erasmus MC, Erasmus Medical Center
Classification: Benign. Review status: no assertion criteria provided. Collection method: clinical testing. Allele origin: germline. Affected: yes. Study: VKGL Data-share Consensus. Not counted in ClinVar's aggregate classification.

Joint Genome Diagnostic Labs from Nijmegen and Maastricht, Radboudumc and MUMC+
Classification: Benign. Review status: no assertion criteria provided. Collection method: clinical testing. Allele origin: germline. Affected: yes. Study: VKGL Data-share Consensus. Not counted in ClinVar's aggregate classification.